The following is an entry in ClinVar:

ClinVar aggregate classification (germline): Uncertain significance (1 of 4 stars; one submission).

Conditions:
Fanconi anemia (FA). Also called: Fanconi's anemia. Identifiers: Orphanet 84, MedGen C0015625, MeSH D005199, MONDO:0019391.

gnomAD v4.1: 2 of 1,614,046 alleles (0.00012%); highest among the groups gnomAD compares: Non-Finnish European, 0.00017%; no homozygotes.

Submission:

Labcorp Genetics (formerly Invitae), Labcorp
Classification: Uncertain significance for Fanconi anemia. Last evaluated: 2025-02-27. Review status: criteria provided, single submitter. Criteria: Invitae Variant Classification Sherloc (09022015). Collection method: clinical testing. Allele origin: germline.
Comment: This sequence change replaces leucine, which is neutral and non-polar, with methionine, which is neutral and non-polar, at codon 1778 of the SLX4 protein (p.Leu1778Met). This variant is not present in population databases (gnomAD no frequency). This variant has not been reported in the literature in individuals affected with SLX4-related conditions. An algorithm developed to predict the effect of missense changes on protein structure and function (PolyPhen-2) suggests that this variant is likely to be disruptive. In summary, the available evidence is currently insufficient to determine the role of this variant in disease. Therefore, it has been classified as a Variant of Uncertain Significance.

NM_032444.4(SLX4):c.5332C>A (p.Leu1778Met)

Gene: SLX4 (SLX4 structure-specific endonuclease subunit; minus strand). Cytogenetic location: 16p13.3.
Variant type: single nucleotide variant.
Coding change: c.5332C>A on transcript NM_032444.4 (MANE Select); coding-DNA position 5332, C replaced by A.
Protein change: p.Leu1778Met; replaces leucine 1778 with methionine.
Molecular consequence: missense variant.
Genome position (GRCh38, 1-based): chr16:3,582,515, G>T on the plus strand (C>A on the coding strand, the complement: SLX4 is on the minus strand). VCF-style: chr16-3582515-G-T. GRCh37 (hg19) VCF-style: chr16-3632516-G-T.
Other names: short protein forms L1778M.
Identifiers: ClinVar variation 4715021 (VCV004715021.1).